The following is an entry in ClinVar:

NM_005585.5(SMAD6):c.1331C>T (p.Ser444Leu)

Gene: SMAD6 (SMAD family member 6; plus strand). Cytogenetic location: 15q22.31.
Variant type: single nucleotide variant.
Coding change: c.1331C>T on transcript NM_005585.5 (MANE Select); coding-DNA position 1331, C replaced by T.
Protein change: p.Ser444Leu; replaces serine 444 with leucine.
Molecular consequence: missense variant. On other transcripts: non-coding transcript variant (1).
Genome position (GRCh38, 1-based): chr15:66,781,375, C>T. VCF-style: chr15-66781375-C-T. GRCh37 (hg19) VCF-style: chr15-67073713-C-T.
Other names: c.1331C>T (NM_005585.4); short protein forms S444L.
Identifiers: ClinVar variation 3716608 (VCV003716608.3).

ClinVar aggregate classification (germline): Uncertain significance. Review status: criteria provided, multiple submitters, no conflicts (2 of 4 stars). 2 submissions from 2 submitters: Uncertain significance (2). Last evaluated 2025-01-13.

Conditions:
Inborn genetic diseases. Identifiers: MedGen C0950123, MeSH D030342.
Aortic valve disease 2 (AOVD2). Identifiers: MedGen C3542024, MONDO:0013902, OMIM 614823.

Submissions (2):

Ambry Genetics
Classification: Uncertain significance for Inborn genetic diseases. Last evaluated: 2025-01-13. Review status: criteria provided, single submitter. Criteria: Ambry Variant Classification Scheme 2023. Collection method: clinical testing. Allele origin: germline.
Comment: The p.S444L variant (also known as c.1331C>T), located in coding exon 4 of the SMAD6 gene, results from a C to T substitution at nucleotide position 1331. The serine at codon 444 is replaced by leucine, an amino acid with dissimilar properties. This amino acid position is conserved. In addition, this alteration is predicted to be deleterious by in silico analysis. Based on the available evidence, the clinical significance of this variant remains unclear.

Labcorp Genetics (formerly Invitae), Labcorp
Classification: Uncertain significance for Aortic valve disease 2. Last evaluated: 2024-11-11. Review status: criteria provided, single submitter. Criteria: Invitae Variant Classification Sherloc (09022015). Collection method: clinical testing. Allele origin: germline.
Comment: This sequence change replaces serine, which is neutral and polar, with leucine, which is neutral and non-polar, at codon 444 of the SMAD6 protein (p.Ser444Leu). The frequency data for this variant in the population databases is considered unreliable, as metrics indicate poor data quality at this position in the gnomAD database. This variant has not been reported in the literature in individuals affected with SMAD6-related conditions. Invitae Evidence Modeling of protein sequence and biophysical properties (such as structural, functional, and spatial information, amino acid conservation, physicochemical variation, residue mobility, and thermodynamic stability) indicates that this missense variant is not expected to disrupt SMAD6 protein function with a negative predictive value of 80%. In summary, the available evidence is currently insufficient to determine the role of this variant in disease. Therefore, it has been classified as a Variant of Uncertain Significance.